The following is an entry in ClinVar:

ClinVar aggregate classification (germline): Uncertain significance (1 of 4 stars; one submission).

Conditions:
Fanconi anemia (FA). Also called: Fanconi's anemia. Identifiers: Orphanet 84, MedGen C0015625, MeSH D005199, MONDO:0019391.

Submission:

Labcorp Genetics (formerly Invitae), Labcorp
Classification: Uncertain significance for Fanconi anemia. Last evaluated: 2021-08-24. Review status: criteria provided, single submitter. Criteria: Invitae Variant Classification Sherloc (09022015). Collection method: clinical testing. Allele origin: germline.
Comment: This sequence change falls in intron 34 of the FANCA gene. It does not directly change the encoded amino acid sequence of the FANCA protein. It affects a nucleotide within the consensus splice site of the intron. This variant is not present in population databases (ExAC no frequency). This variant has not been reported in the literature in individuals affected with FANCA-related conditions. Variants that disrupt the consensus splice site are a relatively common cause of aberrant splicing (PMID: 17576681, 9536098). Algorithms developed to predict the effect of sequence changes on RNA splicing suggest that this variant is not likely to affect RNA splicing. In summary, the available evidence is currently insufficient to determine the role of this variant in disease. Therefore, it has been classified as a Variant of Uncertain Significance.

Literature cited by the submitters: PubMed 17576681; PubMed 9536098.

NM_000135.4(FANCA):c.3409-3C>T

Gene: FANCA (FA complementation group A; minus strand). Cytogenetic location: 16q24.3.
Variant type: single nucleotide variant.
Coding change: c.3409-3C>T on transcript NM_000135.4 (MANE Select); 3 bases into the intron before coding-DNA position 3409, C replaced by T.
Molecular consequence: intron variant.
Genome position (GRCh38, 1-based): chr16:89,746,691, G>A on the plus strand (C>T on the coding strand, the complement: FANCA is on the minus strand). VCF-style: chr16-89746691-G-A. GRCh37 (hg19) VCF-style: chr16-89813099-G-A.
Other names: c.3409-3C>T (NM_001286167.3).
Identifiers: ClinVar variation 2185010 (VCV002185010.1), dbSNP rs2544119871, ClinGen allele CA2576101899.